The following is an entry in ClinVar:

NM_004722.4(AP4M1):c.359G>T (p.Gly120Val)

Gene: AP4M1 (adaptor related protein complex 4 subunit mu 1; plus strand). Cytogenetic location: 7q22.1.
Variant type: single nucleotide variant.
Coding change: c.359G>T on transcript NM_004722.4 (MANE Select); coding-DNA position 359, G replaced by T.
Protein change: p.Gly120Val; replaces glycine 120 with valine.
Molecular consequence: missense variant.
Genome position (GRCh38, 1-based): chr7:100,103,416, G>T. VCF-style: chr7-100103416-G-T. GRCh37 (hg19) VCF-style: chr7-99701039-G-T.
Other names: c.380G>T, p.Gly127Val (NM_001363671.2); short protein forms G120V, G127V.
Identifiers: ClinVar variation 3898815 (VCV003898815.1).

ClinVar aggregate classification (germline): Uncertain significance (1 of 4 stars; one submission).

Submission:

GeneDx
Classification: Uncertain significance. Last evaluated: 2024-11-12. Review status: criteria provided, single submitter. Criteria: GeneDx Variant Classification Process June 2021. Collection method: clinical testing. Allele origin: germline. Affected: yes.
Comment: Not observed at significant frequency in large population cohorts (gnomAD); In silico analysis supports that this missense variant has a deleterious effect on protein structure/function; In silico analysis suggests this variant may impact gene splicing. In the absence of RNA/functional studies, the actual effect of this sequence change is unknown.; Has not been previously published as pathogenic or benign to our knowledge